The following is an entry in ClinVar:

ClinVar aggregate classification (germline): Likely benign (1 of 4 stars; one submission).

Submission:

GeneDx
Classification: Likely benign. Last evaluated: 2021-05-21. Review status: criteria provided, single submitter. Criteria: GeneDx Variant Classification Process June 2021. Collection method: clinical testing. Allele origin: germline. Affected: yes.
Comment: See Variant Classification Assertion Criteria.

NM_207122.2(EXT2):c.1496-209del

Gene: EXT2 (exostosin glycosyltransferase 2; plus strand). Cytogenetic location: 11p11.2.
Variant type: Deletion.
Coding change: c.1496-209del on transcript NM_207122.2 (MANE Select); 209 bases into the intron before coding-DNA position 1496, one base deleted (T; older notation c.1496-209delT).
Molecular consequence: intron variant.
Genome position (GRCh38, 1-based): chr11:44,206,584, T deleted; the last of 2 consecutive T bases (chr11:44,206,583-44,206,584); deleting either gives the same sequence. VCF-style (leftmost placement, unchanged base first): chr11-44206582-GT-G. GRCh37 (hg19) VCF-style: chr11-44228132-GT-G.
Other names: c.1496-209del (NM_001389630.1, NM_001389628.1); c.1526-209del (NM_001178083.3); c.1595-209del (NM_000401.3).
Identifiers: ClinVar variation 2506796 (VCV002506796.1), dbSNP rs571853507, ClinGen allele CA221476849.